The following is an entry in ClinVar:

ClinVar aggregate classification (germline): Uncertain significance. Review status: criteria provided, multiple submitters, no conflicts (2 of 4 stars). 2 submissions from 2 submitters: Uncertain significance (2). Last evaluated 2025-12-01.

Conditions:
Pitt-Hopkins-like syndrome 2 (PTHSL2). Identifiers: Orphanet 221150, Orphanet 600663, MedGen C3280479, MONDO:0013690, OMIM 614325.

Allele frequency attached by ClinVar (database versions not stated): gnomAD 0.00001; gnomAD exomes 0.00001 and 0.00002; ExAC 0.00002; TOPMed 0.00002.
gnomAD v4.1: 7 of 1,613,738 alleles (0.00043%); highest among the groups gnomAD compares: Admixed American, 0.01%; no homozygotes.

Submissions (2):

CeGaT Center for Human Genetics Tuebingen
Classification: Uncertain significance. Last evaluated: 2025-12-01. Review status: criteria provided, single submitter. Criteria: CeGaT Center For Human Genetics Tuebingen Variant Classification Criteria Version 2. Collection method: clinical testing. Allele origin: germline. Affected: yes. Observed: 1 variant allele.

Labcorp Genetics (formerly Invitae), Labcorp
Classification: Uncertain significance for Pitt-Hopkins-like syndrome 2. Last evaluated: 2024-03-20. Review status: criteria provided, single submitter. Criteria: Invitae Variant Classification Sherloc (09022015). Collection method: clinical testing. Allele origin: germline.
Comment: This sequence change replaces isoleucine, which is neutral and non-polar, with valine, which is neutral and non-polar, at codon 906 of the NRXN1 protein (p.Ile906Val). This variant is present in population databases (rs772631880, gnomAD 0.01%). This variant has not been reported in the literature in individuals affected with NRXN1-related conditions. ClinVar contains an entry for this variant (Variation ID: 1020715). An algorithm developed to predict the effect of missense changes on protein structure and function (PolyPhen-2) suggests that this variant is likely to be tolerated. In summary, the available evidence is currently insufficient to determine the role of this variant in disease. Therefore, it has been classified as a Variant of Uncertain Significance.

NM_001330078.2(NRXN1):c.2596A>G (p.Ile866Val)

Gene: NRXN1 (neurexin 1; minus strand). Cytogenetic location: 2p16.3.
Variant type: single nucleotide variant.
Coding change: c.2596A>G on transcript NM_001330078.2 (MANE Select); coding-DNA position 2596, A replaced by G.
Protein change: p.Ile866Val; replaces isoleucine 866 with valine.
Molecular consequence: missense variant.
Genome position (GRCh38, 1-based): chr2:50,497,616, T>C on the plus strand (A>G on the coding strand, the complement: NRXN1 is on the minus strand). VCF-style: chr2-50497616-T-C. GRCh37 (hg19) VCF-style: chr2-50724754-T-C.
Other names: c.2716A>G, p.Ile906Val (NM_001135659.3); c.2572A>G, p.Ile858Val (NM_001330077.2, NM_001330082.2); c.2530A>G, p.Ile844Val (NM_001330083.2, NM_001330084.2); c.2569A>G, p.Ile857Val (NM_001330085.2); c.2596A>G, p.Ile866Val (NM_001330086.2, NM_004801.6); c.2485A>G, p.Ile829Val (NM_001330087.2, NM_001330096.2); c.2515A>G, p.Ile839Val (NM_001330088.2); c.2593A>G, p.Ile865Val (NM_001330093.2); and 2 more; short protein forms I829V, I839V, I844V, I849V, I857V, I858V, I862V, I865V.
Identifiers: ClinVar variation 1020715 (VCV001020715.13), dbSNP rs772631880, ClinGen allele CA1654758.